The following is an entry in ClinVar:

ClinVar aggregate classification (germline): Uncertain significance (1 of 4 stars; one submission).

Conditions:
Retinoblastoma (RB1). Also called: RETINOBLASTOMA, SOMATIC. Identifiers: Orphanet 790, MedGen C0035335, MeSH D012175, MONDO:0008380, OMIM 180200, HP:0009919. Disease mechanism: loss of function. Inheritance: Both sporadic and heritable forms are tested..

Submission:

Labcorp Genetics (formerly Invitae), Labcorp
Classification: Uncertain significance for Retinoblastoma. Last evaluated: 2024-03-06. Review status: criteria provided, single submitter. Criteria: Invitae Variant Classification Sherloc (09022015). Collection method: clinical testing. Allele origin: germline.
Comment: This sequence change replaces histidine, which is basic and polar, with tyrosine, which is neutral and polar, at codon 372 of the RB1 protein (p.His372Tyr). This variant is not present in population databases (gnomAD no frequency). This variant has not been reported in the literature in individuals affected with RB1-related conditions. Advanced modeling of protein sequence and biophysical properties (such as structural, functional, and spatial information, amino acid conservation, physicochemical variation, residue mobility, and thermodynamic stability) performed at Invitae indicates that this missense variant is not expected to disrupt RB1 protein function with a negative predictive value of 80%. In summary, the available evidence is currently insufficient to determine the role of this variant in disease. Therefore, it has been classified as a Variant of Uncertain Significance.

NM_000321.3(RB1):c.1114C>T (p.His372Tyr)

Gene: RB1 (RB transcriptional corepressor 1; plus strand). Cytogenetic location: 13q14.2.
Variant type: single nucleotide variant.
Coding change: c.1114C>T on transcript NM_000321.3 (MANE Select); coding-DNA position 1114, C replaced by T.
Protein change: p.His372Tyr; replaces histidine 372 with tyrosine.
Molecular consequence: missense variant.
Genome position (GRCh38, 1-based): chr13:48,368,591, C>T. VCF-style: chr13-48368591-C-T. GRCh37 (hg19) VCF-style: chr13-48942727-C-T.
Other names: c.1114C>T, p.His372Tyr (NM_001407165.1, NM_001407166.1); short protein forms H372Y.
Identifiers: ClinVar variation 3666156 (VCV003666156.2).